The following is an entry in ClinVar:

NM_015874.6(RBPJ):c.1004T>C (p.Leu335Pro)

Gene: RBPJ (recombination signal binding protein for immunoglobulin kappa J region; plus strand). Cytogenetic location: 4p15.2.
Variant type: single nucleotide variant.
Coding change: c.1004T>C on transcript NM_015874.6 (MANE Select); coding-DNA position 1004, T replaced by C.
Protein change: p.Leu335Pro; replaces leucine 335 with proline.
Molecular consequence: missense variant. On other transcripts: intron variant (2).
Genome position (GRCh38, 1-based): chr4:26,430,013, T>C. VCF-style: chr4-26430013-T-C. GRCh37 (hg19) VCF-style: chr4-26431635-T-C.
Other names: c.938T>C, p.Leu313Pro (NM_001363577.2, NM_203283.5); c.1043T>C, p.Leu348Pro (NM_001374400.1, NM_005349.4); c.1001T>C, p.Leu334Pro (NM_001374401.1, NM_001374402.1, NM_001374403.1 and 3 more transcripts); c.928-406T>C (NM_001379408.1); c.883-406T>C (NM_001379409.1); short protein forms L335P, L348P, L313P, L334P.
Identifiers: ClinVar variation 3152603 (VCV003152603.3), dbSNP rs151051045, ClinGen allele CA2881463.

ClinVar aggregate classification (germline): Conflicting classifications of pathogenicity. Review status: criteria provided, conflicting classifications (1 of 4 stars). 2 submissions from 2 submitters: Uncertain significance (1); Likely benign (1). Last evaluated 2026-01-22.

Conditions:
Inborn genetic diseases. Identifiers: MedGen C0950123, MeSH D030342.

Allele frequency attached by ClinVar (database versions not stated): TOPMed 0.00005; gnomAD 0.00003; ExAC 0.00003; gnomAD exomes 0.00007; ESP Exome Variant Server 0.00031.
gnomAD v4.1: 110 of 1,614,012 alleles (0.0068%); highest among the groups gnomAD compares: Non-Finnish European, 0.0089%; no homozygotes.

Submissions (2):

Labcorp Genetics (formerly Invitae), Labcorp
Classification: Uncertain significance. Last evaluated: 2026-01-22. Review status: criteria provided, single submitter. Criteria: Invitae Variant Classification Sherloc (09022015). Collection method: clinical testing. Allele origin: germline.
Comment: This sequence change replaces leucine, which is neutral and non-polar, with proline, which is neutral and non-polar, at codon 348 of the RBPJ protein (p.Leu348Pro). This variant is present in population databases (rs151051045, gnomAD 0.008%). This variant has not been reported in the literature in individuals affected with RBPJ-related conditions. ClinVar contains an entry for this variant (Variation ID: 3152603). Invitae Evidence Modeling of protein sequence and biophysical properties (such as structural, functional, and spatial information, amino acid conservation, physicochemical variation, residue mobility, and thermodynamic stability) indicates that this missense variant is not expected to disrupt RBPJ protein function with a negative predictive value of 80%. In summary, the available evidence is currently insufficient to determine the role of this variant in disease. Therefore, it has been classified as a Variant of Uncertain Significance.

Ambry Genetics
Classification: Likely benign for Inborn genetic diseases. Last evaluated: 2024-01-03. Review status: criteria provided, single submitter. Criteria: Ambry Variant Classification Scheme 2023. Collection method: clinical testing. Allele origin: germline.